The following is an entry in ClinVar:

NM_024809.5(TCTN2):c.565-207A>G

Gene: TCTN2 (tectonic family member 2; plus strand). Cytogenetic location: 12q24.31.
Variant type: single nucleotide variant.
Coding change: c.565-207A>G on transcript NM_024809.5 (MANE Select); 207 bases into the intron before coding-DNA position 565, A replaced by G.
Molecular consequence: intron variant.
Genome position (GRCh38, 1-based): chr12:123,686,629, A>G. VCF-style: chr12-123686629-A-G. GRCh37 (hg19) VCF-style: chr12-124171176-A-G.
Other names: c.562-207A>G (NM_001143850.3).
Identifiers: ClinVar variation 670709 (VCV000670709.1), dbSNP rs7139193, ClinGen allele CA245195199.

ClinVar aggregate classification (germline): Benign (1 of 4 stars; one submission).

Allele frequency attached by ClinVar (database versions not stated): 1000 Genomes Project 0.44429; 1000 Genomes Project 30x 0.45425; gnomAD 0.49867 and 0.50778; TOPMed 0.50567.

Submission:

GeneDx
Classification: Benign. Last evaluated: 2018-06-14. Review status: criteria provided, single submitter. Criteria: GeneDx Variant Classification (06012015). Collection method: clinical testing. Allele origin: germline. Affected: yes.
Comment: This variant is considered likely benign or benign based on one or more of the following criteria: it is a conservative change, it occurs at a poorly conserved position in the protein, it is predicted to be benign by multiple in silico algorithms, and/or has population frequency not consistent with disease.